The following is an entry in ClinVar:

ClinVar aggregate classification (germline): Uncertain significance. Review status: criteria provided, multiple submitters, no conflicts (2 of 4 stars). 4 submissions from 4 submitters: Uncertain significance (4). Last evaluated 2026-10-01.

Conditions:
Inborn genetic diseases. Identifiers: MedGen C0950123, MeSH D030342.
Thrombocytopenia 2 (THC2). Also called: ANKRD26-Related Thrombocytopenia. Identifiers: Orphanet 268322, MedGen C1861185, MONDO:0008555, OMIM 188000.

Allele frequency attached by ClinVar (database versions not stated): ExAC 0.00002; gnomAD exomes 0.00003; gnomAD 0.00009; TOPMed 0.00013; 1000 Genomes Project 30x 0.00016; 1000 Genomes Project 0.00020.
gnomAD v4.1: 60 of 1,611,152 alleles (0.0037%); highest among the groups gnomAD compares: Admixed American, 0.022%; no homozygotes.

Submissions (4):

St. Jude Molecular Pathology, St. Jude Children's Research Hospital
Classification: Uncertain significance for Thrombocytopenia 2. Last evaluated: 2026-10-01. Review status: criteria provided, single submitter. Criteria: St. Jude Assertion Criteria 2020. Collection method: clinical testing. Allele origin: germline.
Comment: The ANKRD26 c.1589C>T p.(Ser530Leu) missense change has a maximum subpopulation frequency of 0.006% in gnomAD v2.1.1. This variant is not located in the 5Ã¢ € ™ UTR. The in silico tool REVEL predicts a benign effect on protein function, but to our knowledge this prediction has not been confirmed by functional studies. To our knowledge, this variant has not been reported in the literature in individuals with ANKRD26-r elated thrombocytopenia. In summary, the evidence currently available is insufficient to determine the clinical significance of this variant. It has therefore been classified as of uncertain significance.

Labcorp Genetics (formerly Invitae), Labcorp
Classification: Uncertain significance. Last evaluated: 2025-12-10. Review status: criteria provided, single submitter. Criteria: Invitae Variant Classification Sherloc (09022015). Collection method: clinical testing. Allele origin: germline.
Comment: This sequence change replaces serine, which is neutral and polar, with leucine, which is neutral and non-polar, at codon 530 of the ANKRD26 protein (p.Ser530Leu). This variant is present in population databases (rs573351598, gnomAD 0.006%). This variant has not been reported in the literature in individuals affected with ANKRD26-related conditions. ClinVar contains an entry for this variant (Variation ID: 2169575). An algorithm developed to predict the effect of missense changes on protein structure and function outputs the following: PolyPhen-2: "Benign". The leucine amino acid residue is found in multiple mammalian species, which suggests that this missense change does not adversely affect protein function. In summary, the available evidence is currently insufficient to determine the role of this variant in disease. Therefore, it has been classified as a Variant of Uncertain Significance.

Ambry Genetics
Classification: Uncertain significance for Inborn genetic diseases. Last evaluated: 2024-11-25. Review status: criteria provided, single submitter. Criteria: Ambry Variant Classification Scheme 2023. Collection method: clinical testing. Allele origin: germline.
Comment: The p.S530L variant (also known as c.1589C>T), located in coding exon 16 of the ANKRD26 gene, results from a C to T substitution at nucleotide position 1589. The serine at codon 530 is replaced by leucine, an amino acid with dissimilar properties. This amino acid position is conserved. In addition, this alteration is predicted to be tolerated by in silico analysis. Based on the available evidence, the clinical significance of this variant remains unclear.

GeneDx
Classification: Uncertain significance. Last evaluated: 2024-01-09. Review status: criteria provided, single submitter. Criteria: GeneDx Variant Classification Process June 2021. Collection method: clinical testing. Allele origin: germline. Affected: yes.
Comment: In silico analysis supports that this missense variant does not alter protein structure/function; Has not been previously published as pathogenic or benign to our knowledge

NM_014915.3(ANKRD26):c.1589C>T (p.Ser530Leu)

Gene: ANKRD26 (ankyrin repeat domain 26; minus strand). Cytogenetic location: 10p12.1.
Variant type: single nucleotide variant.
Coding change: c.1589C>T on transcript NM_014915.3 (MANE Select); coding-DNA position 1589, C replaced by T.
Protein change: p.Ser530Leu; replaces serine 530 with leucine.
Molecular consequence: missense variant.
Genome position (GRCh38, 1-based): chr10:27,053,366, G>A on the plus strand (C>T on the coding strand, the complement: ANKRD26 is on the minus strand). VCF-style: chr10-27053366-G-A. GRCh37 (hg19) VCF-style: chr10-27342295-G-A.
Other names: c.1589C>T, p.Ser530Leu (NM_001256053.2); short protein forms S530L.
Identifiers: ClinVar variation 2169575 (VCV002169575.8), dbSNP rs573351598, ClinGen allele CA5448478.